The following is an entry in ClinVar:

NM_004415.4(DSP):c.1535T>C (p.Ile512Thr)

Gene: DSP (desmoplakin; plus strand). Cytogenetic location: 6p24.3.
Variant type: single nucleotide variant.
Coding change: c.1535T>C on transcript NM_004415.4 (MANE Select); coding-DNA position 1535, T replaced by C.
Protein change: p.Ile512Thr; replaces isoleucine 512 with threonine.
Molecular consequence: missense variant.
Genome position (GRCh38, 1-based): chr6:7,569,301, T>C. VCF-style: chr6-7569301-T-C. GRCh37 (hg19) VCF-style: chr6-7569534-T-C.
Other names: c.1535T>C, p.Ile512Thr (NM_001008844.3, NM_001319034.2); short protein forms I512T.
Identifiers: ClinVar variation 4614041 (VCV004614041.1).

ClinVar aggregate classification (germline): Uncertain significance (1 of 4 stars; one submission).

Conditions:
Cardiovascular phenotype. Identifiers: MedGen CN230736.

gnomAD v4.1: 1 of 1,613,884 alleles (0.000062%); highest among the groups gnomAD compares: South Asian, 0.0011%; no homozygotes.

Submission:

Ambry Genetics
Classification: Uncertain significance for Cardiovascular phenotype. Last evaluated: 2025-11-02. Review status: criteria provided, single submitter. Criteria: Ambry Variant Classification Scheme 2023. Collection method: clinical testing. Allele origin: germline.
Comment: The p.I512T variant (also known as c.1535T>C), located in coding exon 12 of the DSP gene, results from a T to C substitution at nucleotide position 1535. The isoleucine at codon 512 is replaced by threonine, an amino acid with similar properties. This amino acid position is conserved. In addition, this alteration is predicted to be deleterious by in silico analysis. Based on the available evidence, the clinical significance of this variant remains unclear.